The following is an entry in ClinVar:

ClinVar aggregate classification (germline): Likely benign (1 of 4 stars; one submission).

Allele frequency attached by ClinVar (database versions not stated): 1000 Genomes Project 0.00160; 1000 Genomes Project 30x 0.00172; TOPMed 0.00293; ExAC 0.00295; gnomAD 0.00329; gnomAD exomes 0.00354; ESP Exome Variant Server 0.00400.

Submission:

CeGaT Center for Human Genetics Tuebingen
Classification: Likely benign. Last evaluated: 2022-09-01. Review status: criteria provided, single submitter. Criteria: CeGaT Center For Human Genetics Tuebingen Variant Classification Criteria Version 2. Collection method: clinical testing. Allele origin: germline. Affected: yes. Observed: 2 variant alleles.
Comment: TACC2: BP4, BP7

NM_206862.4(TACC2):c.1650G>A (p.Thr550=)

Gene: TACC2 (transforming acidic coiled-coil containing protein 2; plus strand). Cytogenetic location: 10q26.13.
Variant type: single nucleotide variant.
Coding change: c.1650G>A on transcript NM_206862.4 (MANE Select); coding-DNA position 1650, G replaced by A.
Protein change: p.Thr550=; no amino-acid change (threonine 550 retained).
Molecular consequence: synonymous variant. On other transcripts: intron variant (1).
Genome position (GRCh38, 1-based): chr10:122,084,150, G>A. VCF-style: chr10-122084150-G-A. GRCh37 (hg19) VCF-style: chr10-123843665-G-A.
Other names: c.1650G>A, p.Thr550= (NM_001291876.2, NM_001291877.2); c.146+33600G>A (NM_206861.3).
Identifiers: ClinVar variation 2640896 (VCV002640896.24), dbSNP rs138675193, ClinGen allele CA5722562.